The following is an entry in ClinVar:

NM_015627.3(LDLRAP1):c.604delinsCC (p.Ser202fs)

Gene: LDLRAP1 (low density lipoprotein receptor adaptor protein 1; plus strand). Cytogenetic location: 1p36.11.
Variant type: Indel.
Coding change: c.604delinsCC on transcript NM_015627.3 (MANE Select); coding-DNA position 604, T replaced by CC.
Protein change: p.Ser202fs; shifts the reading frame from serine 202.
Molecular consequence: frameshift variant.
Genome position (GRCh38, 1-based): chr1:25,563,141, T replaced by CC. VCF-style: chr1-25563141-T-CC. GRCh37 (hg19) VCF-style: chr1-25889632-T-CC.
Other names: short protein forms S202fs.
Identifiers: ClinVar variation 1751270 (VCV001751270.4), dbSNP rs2524111305, ClinGen allele CA2580062607.

ClinVar aggregate classification (germline): Pathogenic. Review status: criteria provided, multiple submitters, no conflicts (2 of 4 stars). 2 submissions from 2 submitters: Pathogenic (2). Last evaluated 2025-07-03.

Conditions:
Familial hypercholesterolemia. Also called: Familial hypercholesterolaemia. Identifiers: MedGen C0020445, MONDO:0005439.
Cardiovascular phenotype. Identifiers: MedGen CN230736.

Submissions (2):

Women's Health and Genetics/Laboratory Corporation of America, LabCorp
Classification: Pathogenic for Familial hypercholesterolemia. Last evaluated: 2025-07-03. Review status: criteria provided, single submitter. Criteria: LabCorp Variant Classification Summary - May 2015. Collection method: clinical testing. Allele origin: germline.
Comment: Variant summary: LDLRAP1 c.604delinsCC (p.Ser202ProfsX19) results in a premature termination codon, predicted to cause a truncation of the encoded protein or absence of the protein due to nonsense mediated decay, which are commonly known mechanisms for disease. The variant was absent in 250530 control chromosomes. To our knowledge, no occurrence of c.604delinsCC in individuals affected with Familial Hypercholesterolemia and no experimental evidence demonstrating its impact on protein function have been reported. ClinVar contains an entry for this variant (Variation ID: 1751270). Based on the evidence outlined above, the variant was classified as pathogenic.

Ambry Genetics
Classification: Pathogenic for Cardiovascular phenotype. Last evaluated: 2021-04-01. Review status: criteria provided, single submitter. Criteria: Ambry Variant Classification Scheme 2023. Collection method: clinical testing. Allele origin: germline.
Comment: The c.604delTinsCC pathogenic mutation, located in coding exon 6 of the LDLRAP1 gene, results from the deletion of one nucleotide and insertion of two nucleotides causing a translational frameshift with a predicted alternate stop codon (p.S202Pfs*19). A similar alteration, c.603dupC (p.S202Lfs*19), also referred to using alternate naming conventions, has been reported in the literature in association with autosomal recessive hypercholesterolemia (Eden ER et al. J Clin Invest, 2002 Dec;110:1695-702; Harada-Shiba M et al. J Clin Endocrinol Metab, 2003 Jun;88:2541-7; S&aacute;nchez-Hern&aacute;ndez RM et al. Atherosclerosis, 2018 02;269:1-5). This alteration is expected to result in loss of function by premature protein truncation or nonsense-mediated mRNA decay. As such, this alteration is interpreted as a disease-causing mutation.

Literature cited by the submitters: PubMed 12464675 (cited by Ambry Genetics); PubMed 12788851 (cited by Ambry Genetics); PubMed 22157599 (cited by Ambry Genetics); PubMed 29245109 (cited by Ambry Genetics).